The following is an entry in ClinVar:

ClinVar aggregate classification (germline): Conflicting classifications of pathogenicity. Review status: criteria provided, conflicting classifications (1 of 4 stars). 2 submissions from 2 submitters: Uncertain significance (1); Likely benign (1). Last evaluated 2022-11-28.

Conditions:
Charcot-Marie-Tooth disease axonal type 2O. Also called: CHARCOT-MARIE-TOOTH NEUROPATHY, AXONAL, TYPE 2O; CHARCOT-MARIE-TOOTH DISEASE, AXONAL, AUTOSOMAL DOMINANT, TYPE 2O; Charcot-Marie-Tooth Neuropathy Type 2O; Charcot-Marie-Tooth disease, axonal, type 20. Identifiers: Orphanet 284232, MedGen C3280220, MONDO:0013644, OMIM 614228.
Inborn genetic diseases. Identifiers: MedGen C0950123, MeSH D030342.

Allele frequency attached by ClinVar (database versions not stated): gnomAD exomes below 0.00001.
gnomAD v4.1: 3 of 1,614,172 alleles (0.00019%); highest among the groups gnomAD compares: Non-Finnish European, 0.00025%; no homozygotes.

Submissions (2):

Labcorp Genetics (formerly Invitae), Labcorp
Classification: Likely benign for Charcot-Marie-Tooth disease axonal type 2O. Last evaluated: 2022-11-28. Review status: criteria provided, single submitter. Criteria: Invitae Variant Classification Sherloc (09022015). Collection method: clinical testing. Allele origin: germline.

Ambry Genetics
Classification: Uncertain significance for Inborn genetic diseases. Last evaluated: 2017-09-28. Review status: criteria provided, single submitter. Criteria: Ambry Variant Classification Scheme 2023. Collection method: clinical testing. Allele origin: germline.
Comment: The p.Q493K variant (also known as c.1477C>A), located in coding exon 8 of the DYNC1H1 gene, results from a C to A substitution at nucleotide position 1477. The glutamine at codon 493 is replaced by lysine, an amino acid with similar properties. This amino acid position is highly conserved in available vertebrate species. In addition, this alteration is predicted to be tolerated by in silico analysis. Since supporting evidence is limited at this time, the clinical significance of this alteration remains unclear.

NM_001376.5(DYNC1H1):c.1477C>A (p.Gln493Lys)

Gene: DYNC1H1 (dynein cytoplasmic 1 heavy chain 1; plus strand). Cytogenetic location: 14q32.31.
Variant type: single nucleotide variant.
Coding change: c.1477C>A on transcript NM_001376.5 (MANE Select); coding-DNA position 1477, C replaced by A.
Protein change: p.Gln493Lys; replaces glutamine 493 with lysine.
Molecular consequence: missense variant.
Genome position (GRCh38, 1-based): chr14:101,985,702, C>A. VCF-style: chr14-101985702-C-A. GRCh37 (hg19) VCF-style: chr14-102452039-C-A.
Other names: short protein forms Q493K.
Identifiers: ClinVar variation 539785 (VCV000539785.10), dbSNP rs1298953581, ClinGen allele CA391017814.